The following is an entry in ClinVar:

ClinVar aggregate classification (germline): Uncertain significance. Review status: criteria provided, single submitter (1 of 4 stars). 2 submissions from 2 submitters: Uncertain significance (1). 1 of the submissions does not count toward it. Last evaluated 2022-05-03.

Conditions:
Cohen syndrome (COH1). Also called: PEPPER SYNDROME; Cutis verticis gyrata, retinitis pigmentosa, and sensorineural deafness. Identifiers: Orphanet 193, MedGen C0265223, MONDO:0008999, OMIM 216550.
Microcephaly. Also called: Microcephaly (disease). Identifiers: MedGen C4551563, MONDO:0001149, HP:0000252.

Allele frequency attached by ClinVar (database versions not stated): gnomAD exomes below 0.00001.
gnomAD v4.1: 1 of 1,612,918 alleles (0.000062%); highest among the groups gnomAD compares: East Asian, 0.0022%; no homozygotes.

Submissions (2):

Labcorp Genetics (formerly Invitae), Labcorp
Classification: Uncertain significance for Cohen syndrome. Last evaluated: 2022-05-03. Review status: criteria provided, single submitter. Criteria: Invitae Variant Classification Sherloc (09022015). Collection method: clinical testing. Allele origin: germline.
Comment: This sequence change replaces lysine, which is basic and polar, with glutamic acid, which is acidic and polar, at codon 780 of the VPS13B protein (p.Lys780Glu). This variant is present in population databases (no rsID available, gnomAD 0.006%). This variant has not been reported in the literature in individuals affected with VPS13B-related conditions. ClinVar contains an entry for this variant (Variation ID: 813592). Algorithms developed to predict the effect of missense changes on protein structure and function are either unavailable or do not agree on the potential impact of this missense change (SIFT: "Not Available"; PolyPhen-2: "Possibly Damaging"; Align-GVGD: "Not Available"). In summary, the available evidence is currently insufficient to determine the role of this variant in disease. Therefore, it has been classified as a Variant of Uncertain Significance.

Department of Pediatrics, Samsung Medical Center, Samsung Medical Center
Classification: Uncertain significance for Microcephaly. Review status: no assertion criteria provided. Criteria: ACMG Guidelines, 2015. Collection method: research. Allele origin: germline. Affected: yes. Not counted in ClinVar's aggregate classification.

NM_152564.5(VPS13B):c.2338A>G (p.Lys780Glu)

Gene: VPS13B (vacuolar protein sorting 13 homolog B; plus strand). Cytogenetic location: 8q22.2.
Variant type: single nucleotide variant.
Coding change: c.2338A>G on transcript NM_152564.5 (MANE Select); coding-DNA position 2338, A replaced by G.
Protein change: p.Lys780Glu; replaces lysine 780 with glutamic acid.
Molecular consequence: missense variant.
Genome position (GRCh38, 1-based): chr8:99,192,880, A>G. VCF-style: chr8-99192880-A-G. GRCh37 (hg19) VCF-style: chr8-100205108-A-G.
Other names: c.2338A>G, p.Lys780Glu (NM_015243.3, NM_017890.5); short protein forms K780E.
Identifiers: ClinVar variation 813592 (VCV000813592.3), dbSNP rs1359263734, ClinGen allele CA371861465.